The following is an entry in ClinVar:

ClinVar aggregate classification (germline): Uncertain significance (1 of 4 stars; one submission).

Conditions:
Charcot-Marie-Tooth disease type 4. Also called: Charcot-Marie-Tooth disease, type IV; Charcot-Marie-Tooth, Type 4. Identifiers: Orphanet 64749, MedGen C4082197, MONDO:0018995.

Submission:

Labcorp Genetics (formerly Invitae), Labcorp
Classification: Uncertain significance for Charcot-Marie-Tooth disease type 4. Last evaluated: 2020-11-02. Review status: criteria provided, single submitter. Criteria: Invitae Variant Classification Sherloc (09022015). Collection method: clinical testing. Allele origin: germline.
Comment: In summary, the available evidence is currently insufficient to determine the role of this variant in disease. Therefore, it has been classified as a Variant of Uncertain Significance. Algorithms developed to predict the effect of missense changes on protein structure and function are either unavailable or do not agree on the potential impact of this missense change (SIFT: "Tolerated"; PolyPhen-2: "Possibly Damaging"; Align-GVGD: "Class C0"). This variant has not been reported in the literature in individuals with PRX-related conditions. This variant is not present in population databases (ExAC no frequency). This sequence change replaces glutamic acid with alanine at codon 40 of the PRX protein (p.Glu40Ala). The glutamic acid residue is highly conserved and there is a moderate physicochemical difference between glutamic acid and alanine.

NM_181882.3(PRX):c.119A>C (p.Glu40Ala)

Genes: PRX (periaxin; minus strand), LOC130064454 (ATAC-STARR-seq lymphoblastoid active region 14650; plus strand). Cytogenetic location: 19q13.2.
Variant type: single nucleotide variant.
Coding change: c.119A>C on transcript NM_181882.3 (MANE Select); coding-DNA position 119, A replaced by C.
Protein change: p.Glu40Ala; replaces glutamic acid 40 with alanine.
Molecular consequence: missense variant.
Genome position (GRCh38, 1-based): chr19:40,403,771, T>G on the plus strand (A>C on the coding strand, the complement: PRX is on the minus strand). VCF-style: chr19-40403771-T-G. GRCh37 (hg19) VCF-style: chr19-40909678-T-G.
Other names: c.119A>C, p.Glu40Ala (NM_020956.2); short protein forms E40A.
Identifiers: ClinVar variation 1472563 (VCV001472563.8), dbSNP rs2145741372, ClinGen allele CA405901827.
Genomic context (GRCh38, chr19:40,403,771, plus strand): 5'-TGCAGGCTGAGGCTCCTGGCGGCGGGTGAGTCCTCGCGCAGCTCCCGAACGAAGATTCCC[T>G]CTTTGCCGCCGCCCGCTACGTTGATGCCGCTGACCCCGGTCTGCGCCTCCGTCTCCACGA-3'
Protein context (NP_870998.2, residues 30-50): SGINVAGGGK[Glu40Ala]GIFVRELRED